The following is an entry in ClinVar:

NM_001035.3(RYR2):c.1005+13A>G

Gene: RYR2 (ryanodine receptor 2; plus strand). Cytogenetic location: 1q43.
Variant type: single nucleotide variant.
Coding change: c.1005+13A>G on transcript NM_001035.3 (MANE Select); 13 bases into the intron after coding-DNA position 1005, A replaced by G.
Molecular consequence: intron variant.
Genome position (GRCh38, 1-based): chr1:237,423,261, A>G. VCF-style: chr1-237423261-A-G. GRCh37 (hg19) VCF-style: chr1-237586561-A-G.
Identifiers: ClinVar variation 179775 (VCV000179775.19), dbSNP rs552027921, ClinGen allele CA006524.

ClinVar aggregate classification (germline): Benign/Likely benign. Review status: criteria provided, multiple submitters, no conflicts (2 of 4 stars). 8 submissions from 8 submitters: Benign (2); Likely benign (3). 3 of the submissions do not count toward it. Last evaluated 2026-05-15.

Conditions:
Catecholaminergic polymorphic ventricular tachycardia 1. Also called: VENTRICULAR TACHYCARDIA, STRESS-INDUCED POLYMORPHIC 1; VENTRICULAR TACHYCARDIA, CATECHOLAMINERGIC POLYMORPHIC, 1, WITH OR WITHOUT ATRIAL DYSFUNCTION AND/OR DILATED CARDIOMYOPATHY; RYR2-Related Catecholaminergic Polymorphic Ventricular Tachycardia. Identifiers: Orphanet 3286, MedGen C1631597, MONDO:0011484, OMIM 604772.

Allele frequency attached by ClinVar (database versions not stated): ExAC 0.00007; gnomAD exomes 0.00011 and 0.00034; 1000 Genomes Project 30x 0.00016; TOPMed 0.00019; 1000 Genomes Project 0.00020; gnomAD 0.00021.
gnomAD v4.1: 517 of 1,609,778 alleles (0.032%); highest among the groups gnomAD compares: Non-Finnish European, 0.042%; 1 homozygote.

Submissions (8):

Women's Health and Genetics/Laboratory Corporation of America, LabCorp
Classification: Benign. Last evaluated: 2026-05-15. Review status: criteria provided, single submitter. Criteria: LabCorp Variant Classification Summary - May 2015. Collection method: clinical testing. Allele origin: germline.

Labcorp Genetics (formerly Invitae), Labcorp
Classification: Likely benign for Catecholaminergic polymorphic ventricular tachycardia 1. Last evaluated: 2026-01-21. Review status: criteria provided, single submitter. Criteria: Invitae Variant Classification Sherloc (09022015). Collection method: clinical testing. Allele origin: germline.

Blueprint Genetics
Classification: Likely benign. Last evaluated: 2023-12-29. Review status: criteria provided, single submitter. Criteria: ACMG Guidelines, 2015. Collection method: clinical testing. Allele origin: germline.

GeneDx
Classification: Benign. Last evaluated: 2015-09-17. Review status: criteria provided, single submitter. Criteria: GeneDx Variant Classification (06012015). Collection method: clinical testing. Allele origin: germline. Affected: yes.
Comment: This variant is considered likely benign or benign based on one or more of the following criteria: it is a conservative change, it occurs at a poorly conserved position in the protein, it is predicted to be benign by multiple in silico algorithms, and/or has population frequency not consistent with disease.

Laboratory for Molecular Medicine, Mass General Brigham Personalized Medicine
Classification: Likely benign. Last evaluated: 2014-06-27. Review status: criteria provided, single submitter. Criteria: LMM Criteria. Collection method: clinical testing. Allele origin: germline. Observed: 1 variant allele.
Comment: 1005+13A>G in intron 12 of RYR2: This variant is not expected to have clinical significance because it is not located within the splice consensus sequence.

Clinical Genetics, Academic Medical Center
Classification: Benign. Review status: no assertion criteria provided. Collection method: clinical testing. Allele origin: germline. Affected: yes. Study: VKGL Data-share Consensus. Not counted in ClinVar's aggregate classification.

Diagnostic Laboratory, Department of Genetics, University Medical Center Groningen
Classification: Likely benign. Review status: no assertion criteria provided. Collection method: clinical testing. Allele origin: germline. Affected: yes. Study: VKGL Data-share Consensus. Not counted in ClinVar's aggregate classification.

Genome Diagnostics Laboratory, University Medical Center Utrecht
Classification: Likely benign. Review status: no assertion criteria provided. Collection method: clinical testing. Allele origin: germline. Affected: yes. Study: VKGL Data-share Consensus. Not counted in ClinVar's aggregate classification.